The following is an entry in ClinVar:

NC_000001.10:g.(?_59160781)_(59165724_?)del

Gene: MYSM1 (Myb like, SWIRM and MPN domains 1; minus strand). Cytogenetic location: 1p32.1.
Variant type: Deletion.
Identifiers: ClinVar variation 2423681 (VCV002423681.4).

ClinVar aggregate classification (germline): Pathogenic (1 of 4 stars; one submission).

Submission:

Labcorp Genetics (formerly Invitae), Labcorp
Classification: Pathogenic. Last evaluated: 2022-11-14. Review status: criteria provided, single submitter. Criteria: Invitae Variant Classification Sherloc (09022015). Collection method: clinical testing. Allele origin: germline.
Comment: For these reasons, this variant has been classified as Pathogenic. This variant has not been reported in the literature in individuals affected with MYSM1-related conditions. This variant is a gross deletion of the genomic region encompassing exon(s) 1-2 of the MYSM1 gene, which includes the initiator codon. This deletion extends beyond the assayed region for this gene and therefore may encompass additional genes. It is expected to result in an absent or disrupted protein product. Loss-of-function variants in MYSM1 are known to be pathogenic (PMID: 24288411, 28115216).

Literature cited by the submitters: PubMed 24288411; PubMed 28115216.